The following is an entry in ClinVar:

NM_019098.5(CNGB3):c.1508C>A (p.Pro503Gln)

Gene: CNGB3 (cyclic nucleotide gated channel subunit beta 3; minus strand). Cytogenetic location: 8q21.3.
Variant type: single nucleotide variant.
Coding change: c.1508C>A on transcript NM_019098.5 (MANE Select); coding-DNA position 1508, C replaced by A.
Protein change: p.Pro503Gln; replaces proline 503 with glutamine.
Molecular consequence: missense variant.
Genome position (GRCh38, 1-based): chr8:86,626,053, G>T on the plus strand (C>A on the coding strand, the complement: CNGB3 is on the minus strand). VCF-style: chr8-86626053-G-T. GRCh37 (hg19) VCF-style: chr8-87638281-G-T.
Other names: c.1508C>A (NM_019098.4); short protein forms P503Q.
Identifiers: ClinVar variation 2190302 (VCV002190302.5), dbSNP rs756017029, ClinGen allele CA4799994.

ClinVar aggregate classification (germline): Uncertain significance. Review status: criteria provided, multiple submitters, no conflicts (2 of 4 stars). 2 submissions from 2 submitters: Uncertain significance (2). Last evaluated 2025-08-11.

Conditions:
Inborn genetic diseases. Identifiers: MedGen C0950123, MeSH D030342.

Allele frequency attached by ClinVar (database versions not stated): gnomAD exomes below 0.00001; TOPMed below 0.00001; ExAC 0.00001; gnomAD 0.00001.
gnomAD v4.1: 8 of 1,613,416 alleles (0.0005%); highest among the groups gnomAD compares: Admixed American, 0.005%; no homozygotes.

Submissions (2):

Ambry Genetics
Classification: Uncertain significance for Inborn genetic diseases. Last evaluated: 2025-08-11. Review status: criteria provided, single submitter. Criteria: Ambry Variant Classification Scheme 2023. Collection method: clinical testing. Allele origin: germline.

Labcorp Genetics (formerly Invitae), Labcorp
Classification: Uncertain significance. Last evaluated: 2022-02-18. Review status: criteria provided, single submitter. Criteria: Invitae Variant Classification Sherloc (09022015). Collection method: clinical testing. Allele origin: germline.
Comment: Advanced modeling of protein sequence and biophysical properties (such as structural, functional, and spatial information, amino acid conservation, physicochemical variation, residue mobility, and thermodynamic stability) performed at Invitae indicates that this missense variant is expected to disrupt CNGB3 protein function. In summary, the available evidence is currently insufficient to determine the role of this variant in disease. Therefore, it has been classified as a Variant of Uncertain Significance. This variant has not been reported in the literature in individuals affected with CNGB3-related conditions. This sequence change replaces proline, which is neutral and non-polar, with glutamine, which is neutral and polar, at codon 503 of the CNGB3 protein (p.Pro503Gln). This variant is present in population databases (rs756017029, gnomAD 0.003%).